The following is an entry in ClinVar:

ClinVar aggregate classification (germline): Uncertain significance. Review status: criteria provided, multiple submitters, no conflicts (2 of 4 stars). 3 submissions from 3 submitters: Uncertain significance (3). Last evaluated 2026-03-26.

Conditions:
GATAD2B-related disorder. Also called: GATAD2B-related condition.

Allele frequency attached by ClinVar (database versions not stated): gnomAD exomes below 0.00001; TOPMed below 0.00001.
gnomAD v4.1: 2 of 1,610,860 alleles (0.00012%); highest among the groups gnomAD compares: Non-Finnish European, 0.000085%; no homozygotes.

Submissions (3):

PreventionGenetics, part of Exact Sciences
Classification: Uncertain significance for GATAD2B-related condition. Last evaluated: 2026-03-26. Review status: criteria provided, single submitter. Criteria: ACMG Guidelines, 2015. Collection method: clinical testing. Allele origin: germline.
Comment: The GATAD2B c.409C>T variant is predicted to result in the amino acid substitution p.Arg137Cys. To our knowledge, this variant has not been reported in the literature. This variant is reported in 0.0099% of alleles in individuals of Ashkenazi Jewish descent in gnomAD. At this time, the clinical significance of this variant is uncertain due to the absence of conclusive functional and genetic evidence.

Institute for Clinical Genetics, University Hospital TU Dresden, University Hospital TU Dresden
Classification: Uncertain significance. Last evaluated: 2021-11-03. Review status: criteria provided, single submitter. Criteria: ACMG Guidelines, 2015. Collection method: clinical testing. Allele origin: germline.

Breakthrough Genomics
Classification: Uncertain significance. Review status: criteria provided, single submitter. Criteria: ACMG Guidelines, 2015. Collection method: not provided. Allele origin: germline. Inheritance: Autosomal dominant inheritance. Affected: yes.

NM_020699.4(GATAD2B):c.409C>T (p.Arg137Cys)

Gene: GATAD2B (GATA zinc finger domain containing 2B; minus strand). Cytogenetic location: 1q21.3.
Variant type: single nucleotide variant.
Coding change: c.409C>T on transcript NM_020699.4 (MANE Select); coding-DNA position 409, C replaced by T.
Protein change: p.Arg137Cys; replaces arginine 137 with cysteine.
Molecular consequence: missense variant.
Genome position (GRCh38, 1-based): chr1:153,819,662, G>A on the plus strand (C>T on the coding strand, the complement: GATAD2B is on the minus strand). VCF-style: chr1-153819662-G-A. GRCh37 (hg19) VCF-style: chr1-153792138-G-A.
Other names: c.409C>T (NM_020699.3); short protein forms R137C.
Identifiers: ClinVar variation 1319702 (VCV001319702.5), dbSNP rs1425237110, ClinGen allele CA342535304.